The following is an entry in ClinVar:

ClinVar aggregate classification (germline): Uncertain significance (1 of 4 stars; one submission).

Allele frequency attached by ClinVar (database versions not stated): gnomAD exomes below 0.00001; TOPMed below 0.00001; gnomAD 0.00001.
gnomAD v4.1: 2 of 1,611,568 alleles (0.00012%); highest among the groups gnomAD compares: Non-Finnish European, 0.00017%; no homozygotes.

Submission:

Labcorp Genetics (formerly Invitae), Labcorp
Classification: Uncertain significance. Last evaluated: 2021-10-20. Review status: criteria provided, single submitter. Criteria: Invitae Variant Classification Sherloc (09022015). Collection method: clinical testing. Allele origin: germline.
Comment: In summary, the available evidence is currently insufficient to determine the role of this variant in disease. Therefore, it has been classified as a Variant of Uncertain Significance. Algorithms developed to predict the effect of missense changes on protein structure and function are either unavailable or do not agree on the potential impact of this missense change (SIFT: "Tolerated"; PolyPhen-2: "Possibly Damaging"; Align-GVGD: "Class C0"). This variant has not been reported in the literature in individuals affected with AP3B2-related conditions. This variant is not present in population databases (ExAC no frequency). This sequence change replaces serine with phenylalanine at codon 177 of the AP3B2 protein (p.Ser177Phe). The serine residue is moderately conserved and there is a large physicochemical difference between serine and phenylalanine.

NM_001278512.2(AP3B2):c.530C>T (p.Ser177Phe)

Genes: AP3B2 (adaptor related protein complex 3 subunit beta 2; minus strand), CPEB1-AS1 (CPEB1 antisense RNA 1; plus strand). Cytogenetic location: 15q25.2.
Variant type: single nucleotide variant.
Coding change: c.530C>T on transcript NM_001278512.2 (MANE Select); coding-DNA position 530, C replaced by T.
Protein change: p.Ser177Phe; replaces serine 177 with phenylalanine.
Molecular consequence: missense variant.
Genome position (GRCh38, 1-based): chr15:82,681,170, G>A on the plus strand (C>T on the coding strand, the complement: AP3B2 is on the minus strand). VCF-style: chr15-82681170-G-A. GRCh37 (hg19) VCF-style: chr15-83349922-G-A.
Other names: c.434C>T, p.Ser145Phe (NM_001278511.2); c.530C>T, p.Ser177Phe (NM_004644.5); short protein forms S177F, S145F.
Identifiers: ClinVar variation 1382796 (VCV001382796.6), dbSNP rs1312228156, ClinGen allele CA393296503.